The following is an entry in ClinVar:

NM_198428.3(BBS9):c.1759C>G (p.Arg587Gly)

Gene: BBS9 (Bardet-Biedl syndrome 9; plus strand). Cytogenetic location: 7p14.3.
Variant type: single nucleotide variant.
Coding change: c.1759C>G on transcript NM_198428.3 (MANE Select); coding-DNA position 1759, C replaced by G.
Protein change: p.Arg587Gly; replaces arginine 587 with glycine.
Molecular consequence: missense variant. On other transcripts: non-coding transcript variant (3).
Genome position (GRCh38, 1-based): chr7:33,367,832, C>G. VCF-style: chr7-33367832-C-G. GRCh37 (hg19) VCF-style: chr7-33407444-C-G.
Other names: c.1654C>G, p.Arg552Gly (NM_001033604.2); c.1744C>G, p.Arg582Gly (NM_001033605.2); c.1759C>G, p.Arg587Gly (NM_001348036.1, NM_001348041.4, NM_001348043.3 and 1 more transcripts); c.1393C>G, p.Arg465Gly (NM_001348037.3, NM_001348045.3, NM_001348046.3); c.1486C>G, p.Arg496Gly (NM_001348038.3); c.1381C>G, p.Arg461Gly (NM_001348039.3); c.1639C>G, p.Arg547Gly (NM_001348040.3, NM_014451.4); c.1624C>G, p.Arg542Gly (NM_001348042.3); and 2 more; short protein forms R430G, R461G, R547G, R552G, R582G, R465G, R496G, R542G.
Identifiers: ClinVar variation 3594565 (VCV003594565.3).

ClinVar aggregate classification (germline): Uncertain significance. Review status: criteria provided, multiple submitters, no conflicts (2 of 4 stars). 3 submissions from 3 submitters: Uncertain significance (3). Last evaluated 2026-05-29.

Conditions:
BBS9-related disorder. Also called: BBS9-related condition.
Early onset severe obesity. Identifiers: MedGen C4013980.
Bardet-Biedl syndrome 9 (BBS9). Identifiers: Orphanet 110, MedGen C1859567, MONDO:0014437, OMIM 615986.

gnomAD v4.1: 28 of 1,613,628 alleles (0.0017%); highest among the groups gnomAD compares: Admixed American, 0.005%; no homozygotes.

Submissions (3):

PreventionGenetics, part of Exact Sciences
Classification: Uncertain significance for BBS9-related condition. Last evaluated: 2026-05-29. Review status: criteria provided, single submitter. Criteria: ACMG Guidelines, 2015. Collection method: clinical testing. Allele origin: germline.
Comment: The BBS9 c.1759C>G variant is predicted to result in the amino acid substitution p.Arg587Gly. To our knowledge, this variant has not been reported in the literature. This variant is reported in 0.0029% of alleles in individuals of Latino descent in gnomAD. At this time, the clinical significance of this variant is uncertain due to the absence of conclusive functional and genetic evidence.

Fulgent Genetics
Classification: Uncertain significance for Bardet-Biedl syndrome 9. Last evaluated: 2024-04-16. Review status: criteria provided, single submitter. Criteria: ACMG Guidelines, 2015. Collection method: clinical testing. Allele origin: germline.

Cambridge Genomics Laboratory, East Genomic Laboratory Hub, NHS Genomic Medicine Service
Classification: Uncertain significance for Severe early-onset obesity. Last evaluated: 2023-11-16. Review status: criteria provided, single submitter. Criteria: ACGS Best Practice Guidelines for Variant Classification in Rare Disease 2020. Collection method: clinical testing. Allele origin: germline. Affected: yes.
Comment: The p.Arg587Gly variant is observed in 1/34.592 (0.0029%) alleles from individuals of gnomAD Latino background in gnomAD All. The p.Arg587Gly variant is novel (not in any individuals) in 1kG All. The p.Arg587Gly variant is observed in 1/15.270 (0.0065%) alleles from individuals of gnomAD Genomes v3 Latino background in gnomAD Genomes v3 All. (PM2 - Moderate) | The nucleotide c.1759 in BBS9 is not conserved according to a GERP++ and PhyloP analysis of 100 vertebrates. (BP4 - Supporting)